The following is an entry in ClinVar:

NM_198503.5(KCNT2):c.1694A>G (p.Asn565Ser)

Gene: KCNT2 (potassium sodium-activated channel subfamily T member 2; minus strand). Cytogenetic location: 1q31.3.
Variant type: single nucleotide variant.
Coding change: c.1694A>G on transcript NM_198503.5 (MANE Select); coding-DNA position 1694, A replaced by G.
Protein change: p.Asn565Ser; replaces asparagine 565 with serine.
Molecular consequence: missense variant. On other transcripts: non-coding transcript variant (2).
Genome position (GRCh38, 1-based): chr1:196,340,430, T>C on the plus strand (A>G on the coding strand, the complement: KCNT2 is on the minus strand). VCF-style: chr1-196340430-T-C. GRCh37 (hg19) VCF-style: chr1-196309560-T-C.
Other names: c.1694A>G, p.Asn565Ser (NM_001287819.3); c.1544A>G, p.Asn515Ser (NM_001287820.3); short protein forms N515S, N565S.
Identifiers: ClinVar variation 3896331 (VCV003896331.2).

ClinVar aggregate classification (germline): Uncertain significance (1 of 4 stars; one submission).

gnomAD v4.1: 3 of 1,612,762 alleles (0.00019%); highest among the groups gnomAD compares: African/African-American, 0.004%; no homozygotes.

Submission:

Women's Health and Genetics/Laboratory Corporation of America, LabCorp
Classification: Uncertain significance. Last evaluated: 2025-04-11. Review status: criteria provided, single submitter. Criteria: LabCorp Variant Classification Summary - May 2015. Collection method: clinical testing. Allele origin: germline.
Comment: Variant summary: KCNT2 c.1694A>G (p.Asn565Ser) results in a conservative amino acid change in the encoded protein sequence. Four of five in-silico tools predict a benign effect of the variant on protein function. The variant allele was found at a frequency of 8e-06 in 250840 control chromosomes. The available data on variant occurrences in the general population are insufficient to allow any conclusion about variant significance. To our knowledge, no occurrence of c.1694A>G in individuals affected with Developmental And Epileptic Encephalopathy, 57 and no experimental evidence demonstrating its impact on protein function have been reported. No submitters have cited clinical-significance assessments for this variant to ClinVar. Based on the evidence outlined above, the variant was classified as uncertain significance.